The following is an entry in ClinVar:

NM_014921.5(ADGRL1):c.2229C>T (p.Ala743=)

Genes: ADGRL1-AS1 (ADGRL1 antisense RNA 1; plus strand), ADGRL1 (adhesion G protein-coupled receptor L1; minus strand). Cytogenetic location: 19p13.12.
Variant type: single nucleotide variant.
Coding change: c.2229C>T on transcript NM_014921.5 (MANE Select); coding-DNA position 2229, C replaced by T.
Protein change: p.Ala743=; no amino-acid change (alanine 743 retained).
Molecular consequence: synonymous variant.
Genome position (GRCh38, 1-based): chr19:14,158,473, G>A on the plus strand (C>T on the coding strand, the complement: ADGRL1 is on the minus strand). VCF-style: chr19-14158473-G-A. GRCh37 (hg19) VCF-style: chr19-14269285-G-A.
Other names: c.2244C>T, p.Ala748= (NM_001008701.3).
Identifiers: ClinVar variation 4820820 (VCV004820820.4).
Genomic context (GRCh38, chr19:14,158,473, plus strand): 5'-GATGACCTGTGAGTTCACCACTAGAGAGGCGCCCCCAGGGCCACCCGGGCCTGCTTCGCC[G>A]GCCAGCTTCACTGTGGCATTCTCCGTGGACAGGAAGAGGCCCAGGTTGTTGTAGAGGATG-3'
Protein context (NP_055736.2, residues 733-753): LSTENATVKL[Ala743=]GEAGPGGPGG

ClinVar aggregate classification (germline): Likely benign (1 of 4 stars; one submission).

gnomAD v4.1: 1,326 of 1,614,012 alleles (0.082%); highest among the groups gnomAD compares: Admixed American, 1%; 10 homozygotes.

Submission:

CeGaT Center for Human Genetics Tuebingen
Classification: Likely benign. Last evaluated: 2026-09-01. Review status: criteria provided, single submitter. Criteria: CeGaT Center For Human Genetics Tuebingen Variant Classification Criteria Version 2. Collection method: clinical testing. Allele origin: germline. Affected: yes. Observed: 6 variant alleles.
Comment: ADGRL1: BP4, BP7, BS1